The following is an entry in ClinVar:

NM_201384.3(PLEC):c.5113G>A (p.Ala1705Thr)

Gene: PLEC (plectin; minus strand). Cytogenetic location: 8q24.3.
Variant type: single nucleotide variant.
Coding change: c.5113G>A on transcript NM_201384.3 (MANE Select); coding-DNA position 5113, G replaced by A.
Protein change: p.Ala1705Thr; replaces alanine 1705 with threonine.
Molecular consequence: missense variant.
Genome position (GRCh38, 1-based): chr8:143,924,816, C>T on the plus strand (G>A on the coding strand, the complement: PLEC is on the minus strand). VCF-style: chr8-143924816-C-T. GRCh37 (hg19) VCF-style: chr8-144998984-C-T.
Other names: c.5194G>A, p.Ala1732Thr (NM_000445.5); c.5071G>A, p.Ala1691Thr (NM_201378.4); c.5047G>A, p.Ala1683Thr (NM_201379.3); c.5524G>A, p.Ala1842Thr (NM_201380.4); c.5017G>A, p.Ala1673Thr (NM_201381.3); c.5113G>A, p.Ala1705Thr (NM_201382.4); c.5125G>A, p.Ala1709Thr (NM_201383.3); short protein forms A1732T, A1705T, A1673T, A1709T, A1842T, A1683T, A1691T.
Identifiers: ClinVar variation 837337 (VCV000837337.2), dbSNP rs782464626, ClinGen allele CA4926429.

ClinVar aggregate classification (germline): Uncertain significance (1 of 4 stars; one submission).

Conditions:
Epidermolysis bullosa simplex 5C, with pyloric atresia (EBS5C). Also called: PLEC1-Related Epidermolysis Bullosa with Pyloric Atresia; Epidermolysis bullosa simplex with pyloric atresia; PLEC-Related Epidermolysis Bullosa with Pyloric Atresia. Identifiers: Orphanet 158684, MedGen C2677349, MONDO:0012807, OMIM 612138.
Epidermolysis bullosa simplex with nail dystrophy (EBS5D). Identifiers: MedGen C4225309, MONDO:0014661, OMIM 616487.
Epidermolysis bullosa simplex 5B, with muscular dystrophy (EBS5B). Also called: EPIDERMOLYSIS BULLOSA SIMPLEX AND LIMB-GIRDLE MUSCULAR DYSTROPHY; Epidermolysis bullosa simplex with muscular dystrophy. Identifiers: Orphanet 257, MedGen C2931072, MONDO:0009181, OMIM 226670.
Epidermolysis bullosa simplex, Ogna type (EBS5A). Also called: Pidermolysis bullosa simplex 5A, Ogna type; EPIDERMOLYSIS BULLOSA SIMPLEX 5A, OGNA TYPE. Identifiers: Orphanet 79401, MedGen C0432317, MONDO:0007555, OMIM 131950.
Autosomal recessive limb-girdle muscular dystrophy type 2Q (LGMDR17). Also called: MUSCULAR DYSTROPHY, LIMB-GIRDLE, AUTOSOMAL RECESSIVE 17. Identifiers: Orphanet 254361, MedGen C3150989, MONDO:0013390, OMIM 613723.

Allele frequency attached by ClinVar (database versions not stated): ExAC below 0.00001; gnomAD 0.00001; TOPMed 0.00001; gnomAD exomes 0.00002.
gnomAD v4.1: 16 of 1,541,060 alleles (0.001%); highest among the groups gnomAD compares: African/African-American, 0.0027%; no homozygotes.

Submission:

Labcorp Genetics (formerly Invitae), Labcorp
Classification: Uncertain significance for Autosomal recessive limb-girdle muscular dystrophy type 2Q; Epidermolysis bullosa simplex, Ogna type; Epidermolysis bullosa simplex with nail dystrophy; Epidermolysis bullosa simplex 5C, with pyloric atresia; Epidermolysis bullosa simplex 5B, with muscular dystrophy. Last evaluated: 2025-10-02. Review status: criteria provided, single submitter. Criteria: Invitae Variant Classification Sherloc (09022015). Collection method: clinical testing. Allele origin: germline.
Comment: This sequence change replaces alanine, which is neutral and non-polar, with threonine, which is neutral and polar, at codon 1732 of the PLEC protein (p.Ala1732Thr). The frequency data for this variant in the population databases is considered unreliable, as metrics indicate poor data quality at this position in the gnomAD database. This variant has not been reported in the literature in individuals affected with PLEC-related conditions. ClinVar contains an entry for this variant (Variation ID: 837337). Experimental studies and prediction algorithms are not available or were not evaluated, and the functional significance of this variant is currently unknown. In summary, the available evidence is currently insufficient to determine the role of this variant in disease. Therefore, it has been classified as a Variant of Uncertain Significance.